The following is an entry in ClinVar:

NM_152384.3(BBS5):c.285C>T (p.Leu95=)

Gene: BBS5 (Bardet-Biedl syndrome 5; plus strand). Cytogenetic location: 2q31.1.
Variant type: single nucleotide variant.
Coding change: c.285C>T on transcript NM_152384.3 (MANE Select); coding-DNA position 285, C replaced by T.
Protein change: p.Leu95=; no amino-acid change (leucine 95 retained).
Molecular consequence: synonymous variant.
Genome position (GRCh38, 1-based): chr2:169,488,013, C>T. VCF-style: chr2-169488013-C-T. GRCh37 (hg19) VCF-style: chr2-170344523-C-T.
Other names: p.Leu95=.
Identifiers: ClinVar variation 262635 (VCV000262635.13), dbSNP rs6752540, ClinGen allele CA1956179.

ClinVar aggregate classification (germline): Benign. Review status: criteria provided, multiple submitters, no conflicts (2 of 4 stars). 4 submissions from 4 submitters: Benign (4). Last evaluated 2026-01-31.

Conditions:
Bardet-Biedl syndrome (BBS). Identifiers: Orphanet 110, MedGen C0752166, MONDO:0015229.

Allele frequency attached by ClinVar (database versions not stated): ExAC 0.00282; gnomAD 0.00882; ESP Exome Variant Server 0.00985; TOPMed 0.01009; 1000 Genomes Project 0.01038; 1000 Genomes Project 30x 0.01077.
gnomAD v4.1: 2,732 of 1,613,752 alleles (0.17%); highest among the groups gnomAD compares: African/African-American, 3.2%; 58 homozygotes.

Submissions (4):

Labcorp Genetics (formerly Invitae), Labcorp
Classification: Benign for Bardet-Biedl syndrome. Last evaluated: 2026-01-31. Review status: criteria provided, single submitter. Criteria: Invitae Variant Classification Sherloc (09022015). Collection method: clinical testing. Allele origin: germline.

Mayo Clinic Laboratories, Mayo Clinic
Classification: Benign. Last evaluated: 2024-09-26. Review status: criteria provided, single submitter. Criteria: ACMG Guidelines, 2015. Collection method: clinical testing. Allele origin: germline. Observed: 1 variant allele.
Comment: BS1, BS2, BP4, BP7

Breakthrough Genomics
Classification: Benign. Review status: criteria provided, single submitter. Criteria: ACMG Guidelines, 2015. Collection method: not provided. Allele origin: germline. Inheritance: Autosomal recessive inheritance. Affected: yes.

PreventionGenetics, part of Exact Sciences
Classification: Benign. Review status: criteria provided, single submitter. Criteria: ACMG Guidelines, 2015. Collection method: clinical testing. Allele origin: germline.